The following is an entry in ClinVar:

NM_024675.4(PALB2):c.2297C>G (p.Ser766Ter)

Gene: PALB2 (partner and localizer of BRCA2; minus strand). Cytogenetic location: 16p12.2.
Variant type: single nucleotide variant.
Coding change: c.2297C>G on transcript NM_024675.4 (MANE Select); coding-DNA position 2297, C replaced by G.
Protein change: p.Ser766Ter; replaces serine 766 with a stop codon.
Molecular consequence: nonsense.
Genome position (GRCh38, 1-based): chr16:23,629,857, G>C on the plus strand (C>G on the coding strand, the complement: PALB2 is on the minus strand). VCF-style: chr16-23629857-G-C. GRCh37 (hg19) VCF-style: chr16-23641178-G-C.
Other names: c.1412C>G, p.Ser471Ter (NM_001407306.1, NM_001407307.1, NM_001407308.1 and 5 more transcripts); c.509C>G, p.Ser170Ter (NM_001407312.1, NM_001407313.1); c.2237C>G, p.Ser746Ter (NM_001407296.1); c.2297C>G, p.Ser766Ter (NM_001407297.1, NM_001407298.1, NM_001407299.1 and 3 more transcripts); short protein forms S170*, S471*, S766*, S746*.
Identifiers: ClinVar variation 1789186 (VCV001789186.7), dbSNP rs1555460410, ClinGen allele CA395125283.

ClinVar aggregate classification (germline): Pathogenic. Review status: criteria provided, multiple submitters, no conflicts (2 of 4 stars). 2 submissions from 2 submitters: Pathogenic (2). Last evaluated 2022-09-18.

Conditions:
Hereditary cancer-predisposing syndrome. Also called: Hereditary Cancer Syndrome; Hereditary neoplastic syndrome; Tumor predisposition; Neoplastic Syndromes, Hereditary. Identifiers: Orphanet 140162, MedGen C0027672, MeSH D009386, MONDO:0015356.
Familial cancer of breast. Also called: BREAST CANCER, FAMILIAL; Hereditary breast cancer; hereditary breast carcinoma. Identifiers: Orphanet 227535, MedGen C0346153, MONDO:0016419, OMIM 114480. Disease mechanism: loss of function.

Submissions (2):

Labcorp Genetics (formerly Invitae), Labcorp
Classification: Pathogenic for Familial cancer of breast. Last evaluated: 2022-09-18. Review status: criteria provided, single submitter. Criteria: Invitae Variant Classification Sherloc (09022015). Collection method: clinical testing. Allele origin: germline.
Comment: This sequence change creates a premature translational stop signal (p.Ser766*) in the PALB2 gene. It is expected to result in an absent or disrupted protein product. Loss-of-function variants in PALB2 are known to be pathogenic (PMID: 17200668, 17200671, 17200672, 24136930, 25099575). This variant is not present in population databases (gnomAD no frequency). This variant has not been reported in the literature in individuals affected with PALB2-related conditions. For these reasons, this variant has been classified as Pathogenic.

Ambry Genetics
Classification: Pathogenic for Hereditary cancer-predisposing syndrome. Last evaluated: 2022-03-11. Review status: criteria provided, single submitter. Criteria: Ambry Variant Classification Scheme 2023. Collection method: clinical testing. Allele origin: germline.
Comment: The p.S766* pathogenic mutation (also known as c.2297C>G), located in coding exon 5 of the PALB2 gene, results from a C to G substitution at nucleotide position 2297. This changes the amino acid from a serine to a stop codon within coding exon 5. This variant is considered to be rare based on population cohorts in the Genome Aggregation Database (gnomAD). This alteration is expected to result in loss of function by premature protein truncation or nonsense-mediated mRNA decay. As such, this alteration is interpreted as a disease-causing mutation.

Literature cited by the submitters: PubMed 17200668 (cited by Labcorp Genetics (formerly Invitae), Labcorp); PubMed 17200671 (cited by Labcorp Genetics (formerly Invitae), Labcorp); PubMed 17200672 (cited by Labcorp Genetics (formerly Invitae), Labcorp); PubMed 24136930 (cited by Labcorp Genetics (formerly Invitae), Labcorp); PubMed 25099575 (cited by Labcorp Genetics (formerly Invitae), Labcorp).